The following is an entry in ClinVar:

NM_001378454.1(ALMS1):c.7217C>T (p.Pro2406Leu)

Gene: ALMS1 (ALMS1 centrosome and basal body associated protein; plus strand). Cytogenetic location: 2p13.1.
Variant type: single nucleotide variant.
Coding change: c.7217C>T on transcript NM_001378454.1 (MANE Select); coding-DNA position 7217, C replaced by T.
Protein change: p.Pro2406Leu; replaces proline 2406 with leucine.
Molecular consequence: missense variant.
Genome position (GRCh38, 1-based): chr2:73,453,744, C>T. VCF-style: chr2-73453744-C-T. GRCh37 (hg19) VCF-style: chr2-73680871-C-T.
Other names: c.7220C>T, p.Pro2407Leu (NM_015120.4); c.7214C>T (NM_015120.4); short protein forms P2407L, P2406L.
Identifiers: ClinVar variation 666794 (VCV000666794.8), dbSNP rs1481573722, ClinGen allele CA347291674.

ClinVar aggregate classification (germline): Uncertain significance. Review status: criteria provided, multiple submitters, no conflicts (2 of 4 stars). 4 submissions from 4 submitters: Uncertain significance (3). 1 of the submissions does not count toward it. Last evaluated 2024-01-02.

Conditions:
Alstrom syndrome (ALMS). Identifiers: Orphanet 64, MedGen C0268425, MONDO:0008763, OMIM 203800.
Cardiovascular phenotype. Identifiers: MedGen CN230736.

Allele frequency attached by ClinVar (database versions not stated): gnomAD exomes below 0.00001; gnomAD 0.00001; TOPMed 0.00001.
gnomAD v4.1: 9 of 1,613,980 alleles (0.00056%); highest among the groups gnomAD compares: Non-Finnish European, 0.00076%; no homozygotes.

Submissions (4):

Labcorp Genetics (formerly Invitae), Labcorp
Classification: Uncertain significance for Alstrom syndrome. Last evaluated: 2024-01-02. Review status: criteria provided, single submitter. Criteria: Invitae Variant Classification Sherloc (09022015). Collection method: clinical testing. Allele origin: germline.
Comment: This sequence change replaces proline, which is neutral and non-polar, with leucine, which is neutral and non-polar, at codon 2407 of the ALMS1 protein (p.Pro2407Leu). This variant is present in population databases (no rsID available, gnomAD 0.0009%). This variant has not been reported in the literature in individuals affected with ALMS1-related conditions. ClinVar contains an entry for this variant (Variation ID: 666794). Experimental studies and prediction algorithms are not available or were not evaluated, and the functional significance of this variant is currently unknown. In summary, the available evidence is currently insufficient to determine the role of this variant in disease. Therefore, it has been classified as a Variant of Uncertain Significance.

Ambry Genetics
Classification: Uncertain significance for Cardiovascular phenotype. Last evaluated: 2020-02-28. Review status: criteria provided, single submitter. Criteria: Ambry Variant Classification Scheme 2023. Collection method: clinical testing. Allele origin: germline.
Comment: The p.P2407L variant (also known as c.7220C>T), located in coding exon 8 of the ALMS1 gene, results from a C to T substitution at nucleotide position 7220. The proline at codon 2407 is replaced by leucine, an amino acid with similar properties. This amino acid position is highly conserved in available vertebrate species. In addition, the in silico prediction for this alteration is inconclusive. Since supporting evidence is limited at this time, the clinical significance of this alteration remains unclear.

Laboratory for Molecular Medicine, Mass General Brigham Personalized Medicine
Classification: Uncertain significance. Last evaluated: 2018-06-05. Review status: criteria provided, single submitter. Criteria: LMM Criteria. Collection method: clinical testing. Allele origin: germline. Observed: 1 variant allele.
Comment: The p.Pro2407Leu variant in ALMS1 has not been previously reported in individual s with Alstrom syndrome or hearing loss. This variant has been identified in 1/1 11554 European chromosomes by the Genome Aggregation Database (gnomAD; dbSNP rs1481573722). Although this variant has been see n in the general population, its frequency is not high enough to rule out a path ogenic role. Computational prediction tools and conservation analysis do not pro vide strong support for or against an impact to the protein. In summary, the cli nical significance of the p.Pro2407Leu variant is uncertain. ACMG/AMP Criteria a pplied: PM2.

Natera, Inc.
Classification: Uncertain significance for Alstrom syndrome. Last evaluated: 2021-06-17. Review status: no assertion criteria provided. Collection method: clinical testing. Allele origin: germline. Not counted in ClinVar's aggregate classification.